The following is an entry in ClinVar:

ClinVar aggregate classification (germline): Uncertain significance (1 of 4 stars; one submission).

Submission:

Labcorp Genetics (formerly Invitae), Labcorp
Classification: Uncertain significance. Last evaluated: 2023-02-08. Review status: criteria provided, single submitter. Criteria: Invitae Variant Classification Sherloc (09022015). Collection method: clinical testing. Allele origin: germline.
Comment: In summary, the available evidence is currently insufficient to determine the role of this variant in disease. Therefore, it has been classified as a Variant of Uncertain Significance. Algorithms developed to predict the effect of missense changes on protein structure and function output the following: SIFT: "Tolerated"; PolyPhen-2: "Benign"; Align-GVGD: "Class C0". The glycine amino acid residue is found in multiple mammalian species, which suggests that this missense change does not adversely affect protein function. This variant has not been reported in the literature in individuals affected with A2ML1-related conditions. This variant is not present in population databases (gnomAD no frequency). This sequence change replaces arginine, which is basic and polar, with glycine, which is neutral and non-polar, at codon 1345 of the A2ML1 protein (p.Arg1345Gly).

NM_144670.6(A2ML1):c.4033C>G (p.Arg1345Gly)

Gene: A2ML1 (alpha-2-macroglobulin like 1; plus strand). Cytogenetic location: 12p13.31.
Variant type: single nucleotide variant.
Coding change: c.4033C>G on transcript NM_144670.6 (MANE Select); coding-DNA position 4033, C replaced by G.
Protein change: p.Arg1345Gly; replaces arginine 1345 with glycine.
Molecular consequence: missense variant.
Genome position (GRCh38, 1-based): chr12:8,868,329, C>G. VCF-style: chr12-8868329-C-G. GRCh37 (hg19) VCF-style: chr12-9020925-C-G.
Other names: c.2560C>G, p.Arg854Gly (NM_001282424.3); short protein forms R1345G, R854G.
Identifiers: ClinVar variation 2835265 (VCV002835265.3), dbSNP rs374267852, ClinGen allele CA383812763.
Genomic context (GRCh38, chr12:8,868,329, plus strand): 5'-AAGACCTTTAGTCTTAGTGTGGAAATAGGAAAAGCTAGATGTGAGCAACCGACTTCACCT[C>G]GATCCTTGACTCTCACTATTCACACCAGGTGATTAAAGCTGGGGTGCTGGTGGCCGGCAG-3'
Protein context (NP_653271.3, residues 1335-1355): KARCEQPTSP[Arg1345Gly]SLTLTIHTSY